The following is an entry in ClinVar:

NM_016035.5(COQ4):c.107C>T (p.Pro36Leu)

Gene: COQ4 (coenzyme Q4; plus strand). Cytogenetic location: 9q34.11.
Variant type: single nucleotide variant.
Coding change: c.107C>T on transcript NM_016035.5 (MANE Select); coding-DNA position 107, C replaced by T.
Protein change: p.Pro36Leu; replaces proline 36 with leucine.
Molecular consequence: missense variant.
Genome position (GRCh38, 1-based): chr9:128,323,052, C>T. VCF-style: chr9-128323052-C-T. GRCh37 (hg19) VCF-style: chr9-131085331-C-T.
Other names: c.107C>T, p.Pro36Leu (NM_001305942.2); c.107C>T (NM_016035.3); short protein forms P36L.
Identifiers: ClinVar variation 1922649 (VCV001922649.4), dbSNP rs1308093660, ClinGen allele CA375017326.

ClinVar aggregate classification (germline): Conflicting classifications of pathogenicity. Review status: criteria provided, conflicting classifications (1 of 4 stars). 2 submissions from 2 submitters: Uncertain significance (1); Likely benign (1). Last evaluated 2023-05-15.

Conditions:
Inborn genetic diseases. Identifiers: MedGen C0950123, MeSH D030342.
Neonatal encephalomyopathy-cardiomyopathy-respiratory distress syndrome. Also called: Coenzyme Q10 deficiency, primary, 7. Identifiers: Orphanet 457185, MedGen C5568562, MONDO:0014562, OMIM 616276.

Allele frequency attached by ClinVar (database versions not stated): gnomAD exomes 0.00001.
gnomAD v4.1: 7 of 1,612,194 alleles (0.00043%); highest among the groups gnomAD compares: Non-Finnish European, 0.00059%; no homozygotes.

Submissions (2):

Ambry Genetics
Classification: Likely benign for Inborn genetic diseases. Last evaluated: 2023-05-15. Review status: criteria provided, single submitter. Criteria: Ambry Variant Classification Scheme 2023. Collection method: clinical testing. Allele origin: germline.

Labcorp Genetics (formerly Invitae), Labcorp
Classification: Uncertain significance for Neonatal encephalomyopathy-cardiomyopathy-respiratory distress syndrome. Last evaluated: 2022-04-06. Review status: criteria provided, single submitter. Criteria: Invitae Variant Classification Sherloc (09022015). Collection method: clinical testing. Allele origin: germline.
Comment: This sequence change replaces proline, which is neutral and non-polar, with leucine, which is neutral and non-polar, at codon 36 of the COQ4 protein (p.Pro36Leu). This variant is not present in population databases (gnomAD no frequency). This variant has not been reported in the literature in individuals affected with COQ4-related conditions. Algorithms developed to predict the effect of missense changes on protein structure and function output the following: SIFT: "Tolerated"; PolyPhen-2: "Benign"; Align-GVGD: "Class C0". The leucine amino acid residue is found in multiple mammalian species, which suggests that this missense change does not adversely affect protein function. In summary, the available evidence is currently insufficient to determine the role of this variant in disease. Therefore, it has been classified as a Variant of Uncertain Significance.